The following is an entry in ClinVar:

NM_005744.5(ARIH1):c.77A>G (p.Glu26Gly)

Gene: ARIH1 (ariadne RBR E3 ubiquitin protein ligase 1; plus strand). Cytogenetic location: 15q24.1.
Variant type: single nucleotide variant.
Coding change: c.77A>G on transcript NM_005744.5 (MANE Select); coding-DNA position 77, A replaced by G.
Protein change: p.Glu26Gly; replaces glutamic acid 26 with glycine.
Molecular consequence: missense variant.
Genome position (GRCh38, 1-based): chr15:72,474,716, A>G. VCF-style: chr15-72474716-A-G. GRCh37 (hg19) VCF-style: chr15-72767057-A-G.
Other names: short protein forms E26G.
Identifiers: ClinVar variation 1371679 (VCV001371679.6), dbSNP rs2140386460, ClinGen allele CA393236391.

ClinVar aggregate classification (germline): Uncertain significance (1 of 4 stars; one submission).

gnomAD v4.1: 1 of 1,566,628 alleles (0.000064%); no homozygotes.

Submission:

Labcorp Genetics (formerly Invitae), Labcorp
Classification: Uncertain significance. Last evaluated: 2021-08-07. Review status: criteria provided, single submitter. Criteria: Invitae Variant Classification Sherloc (09022015). Collection method: clinical testing. Allele origin: germline.
Comment: This sequence change replaces glutamic acid with glycine at codon 26 of the ARIH1 protein (p.Glu26Gly). The glutamic acid residue is weakly conserved and there is a moderate physicochemical difference between glutamic acid and glycine. This variant is not present in population databases (ExAC no frequency). This variant has not been reported in the literature in individuals affected with ARIH1-related conditions. Algorithms developed to predict the effect of missense changes on protein structure and function are either unavailable or do not agree on the potential impact of this missense change (SIFT: "Tolerated"; PolyPhen-2: "Not Available"; Align-GVGD: "Class C0"). In summary, the available evidence is currently insufficient to determine the role of this variant in disease. Therefore, it has been classified as a Variant of Uncertain Significance.